The following is an entry in ClinVar:

NM_001006658.3(CR2):c.1687G>A (p.Gly563Arg)

Gene: CR2 (complement C3d receptor 2; plus strand). Cytogenetic location: 1q32.2.
Variant type: single nucleotide variant.
Coding change: c.1687G>A on transcript NM_001006658.3 (MANE Select); coding-DNA position 1687, G replaced by A.
Protein change: p.Gly563Arg; replaces glycine 563 with arginine.
Molecular consequence: missense variant.
Genome position (GRCh38, 1-based): chr1:207,472,888, G>A. VCF-style: chr1-207472888-G-A. GRCh37 (hg19) VCF-style: chr1-207646233-G-A.
Other names: c.1687G>A, p.Gly563Arg (NM_001877.5); short protein forms G563R.
Identifiers: ClinVar variation 937527 (VCV000937527.13), dbSNP rs148153783, ClinGen allele CA1368794.

ClinVar aggregate classification (germline): Uncertain significance. Review status: criteria provided, multiple submitters, no conflicts (2 of 4 stars). 4 submissions from 4 submitters: Uncertain significance (4). Last evaluated 2023-04-11.

Conditions:
Immunodeficiency, common variable, 7. Identifiers: Orphanet 1572, Orphanet 696894, MedGen C3542922, MONDO:0013862, OMIM 614699.
Systemic lupus erythematosus, susceptibility to, 9. Also called: Systemic lupus erythematosus 9. Identifiers: MedGen C1970455, MONDO:0012584, OMIM 610927.

Allele frequency attached by ClinVar (database versions not stated): ExAC 0.00001; gnomAD exomes 0.00001; TOPMed 0.00004; gnomAD 0.00005; ESP Exome Variant Server 0.00008.
gnomAD v4.1: 11 of 1,613,934 alleles (0.00068%); highest among the groups gnomAD compares: African/African-American, 0.015%; no homozygotes.

Submissions (4):

Genome-Nilou Lab
Classification: Uncertain significance for Immunodeficiency, common variable, 7. Last evaluated: 2023-04-11. Review status: criteria provided, single submitter. Criteria: ACMG Guidelines, 2015. Collection method: clinical testing. Allele origin: germline. Affected: no.

Labcorp Genetics (formerly Invitae), Labcorp
Classification: Uncertain significance for Immunodeficiency, common variable, 7. Last evaluated: 2022-08-23. Review status: criteria provided, single submitter. Criteria: Invitae Variant Classification Sherloc (09022015). Collection method: clinical testing. Allele origin: germline.
Comment: This sequence change replaces glycine, which is neutral and non-polar, with arginine, which is basic and polar, at codon 563 of the CR2 protein (p.Gly563Arg). This variant is present in population databases (rs148153783, gnomAD 0.02%). This variant has not been reported in the literature in individuals affected with CR2-related conditions. ClinVar contains an entry for this variant (Variation ID: 937527). Algorithms developed to predict the effect of missense changes on protein structure and function are either unavailable or do not agree on the potential impact of this missense change (SIFT: "Deleterious"; PolyPhen-2: "Probably Damaging"; Align-GVGD: "Class C0"). In summary, the available evidence is currently insufficient to determine the role of this variant in disease. Therefore, it has been classified as a Variant of Uncertain Significance.

Blueprint Genetics
Classification: Uncertain significance. Last evaluated: 2022-05-26. Review status: criteria provided, single submitter. Criteria: ACMG Guidelines, 2015. Collection method: clinical testing. Allele origin: germline.

Center for Genomics, Ann and Robert H. Lurie Children's Hospital of Chicago
Classification: Uncertain significance for Systemic lupus erythematosus, susceptibility to, 9; Immunodeficiency, common variable, 7. Review status: criteria provided, single submitter. Criteria: ACMG Guidelines, 2015. Collection method: clinical testing. Allele origin: germline.
Comment: CR2: NM_0010006658 exon 10 p.Gly563Arg (c. 1687G>A): This variant has not been reported in the literature but is present in 4/24030 African alleles in the Genome Aggregation Database. Evolutionary conservation and computational predictive tools for this variant are unclear. In summary, data on this variant is insufficient for disease classification. Therefore, the clinical significance of this variant is uncertain